The following is an entry in ClinVar:

NM_001197104.2(KMT2A):c.5573G>A (p.Arg1858Gln)

Gene: KMT2A (lysine methyltransferase 2A; plus strand). Cytogenetic location: 11q23.3.
Variant type: single nucleotide variant.
Coding change: c.5573G>A on transcript NM_001197104.2 (MANE Select); coding-DNA position 5573, G replaced by A.
Protein change: p.Arg1858Gln; replaces arginine 1858 with glutamine.
Molecular consequence: missense variant.
Genome position (GRCh38, 1-based): chr11:118,496,276, G>A. VCF-style: chr11-118496276-G-A. GRCh37 (hg19) VCF-style: chr11-118366991-G-A.
Other names: c.5564G>A, p.Arg1855Gln (NM_005933.4); c.5573G>A (NM_001197104.1); short protein forms R1858Q, R1855Q.
Identifiers: ClinVar variation 1500893 (VCV001500893.7), dbSNP rs377588214, ClinGen allele CA6304078.

ClinVar aggregate classification (germline): Conflicting classifications of pathogenicity. Review status: criteria provided, conflicting classifications (1 of 4 stars). 2 submissions from 2 submitters: Uncertain significance (1); Likely benign (1). Last evaluated 2025-12-06.

Conditions:
Inborn genetic diseases. Identifiers: MedGen C0950123, MeSH D030342.

Allele frequency attached by ClinVar (database versions not stated): gnomAD 0.00002; TOPMed 0.00002; ExAC 0.00003; gnomAD exomes 0.00004 and 0.00005; ESP Exome Variant Server 0.00008.
gnomAD v4.1: 56 of 1,613,196 alleles (0.0035%); highest among the groups gnomAD compares: Middle Eastern, 0.016%; no homozygotes.

Submissions (2):

Labcorp Genetics (formerly Invitae), Labcorp
Classification: Uncertain significance. Last evaluated: 2025-12-06. Review status: criteria provided, single submitter. Criteria: Invitae Variant Classification Sherloc (09022015). Collection method: clinical testing. Allele origin: germline.
Comment: This sequence change replaces arginine, which is basic and polar, with glutamine, which is neutral and polar, at codon 1858 of the KMT2A protein (p.Arg1858Gln). This variant is present in population databases (rs377588214, gnomAD 0.01%). This variant has not been reported in the literature in individuals affected with KMT2A-related conditions. ClinVar contains an entry for this variant (Variation ID: 1500893). Invitae Evidence Modeling of protein sequence and biophysical properties (such as structural, functional, and spatial information, amino acid conservation, physicochemical variation, residue mobility, and thermodynamic stability) indicates that this missense variant is not expected to disrupt KMT2A protein function with a negative predictive value of 95%. In summary, the available evidence is currently insufficient to determine the role of this variant in disease. Therefore, it has been classified as a Variant of Uncertain Significance.

Ambry Genetics
Classification: Likely benign for Inborn genetic diseases. Last evaluated: 2021-05-25. Review status: criteria provided, single submitter. Criteria: Ambry Variant Classification Scheme 2023. Collection method: clinical testing. Allele origin: germline.